The following is an entry in ClinVar:

ClinVar aggregate classification (germline): Uncertain significance (1 of 4 stars; one submission).

Conditions:
Neuropathy, hereditary sensory and autonomic, type 1C. Also called: HSAN IC; HSN IC. Identifiers: Orphanet 36386, MedGen C3150896, MONDO:0013337, OMIM 613640.

Allele frequency attached by ClinVar (database versions not stated): gnomAD exomes below 0.00001.
gnomAD v4.1: 1 of 1,534,448 alleles (0.000065%); highest among the groups gnomAD compares: South Asian, 0.0012%; no homozygotes.

Submission:

Labcorp Genetics (formerly Invitae), Labcorp
Classification: Uncertain significance for Neuropathy, hereditary sensory and autonomic, type 1C. Last evaluated: 2020-10-26. Review status: criteria provided, single submitter. Criteria: Invitae Variant Classification Sherloc (09022015). Collection method: clinical testing. Allele origin: germline.
Comment: This sequence change replaces asparagine with serine at codon 22 of the SPTLC2 protein (p.Asn22Ser). The asparagine residue is moderately conserved and there is a small physicochemical difference between asparagine and serine. The frequency data for this variant in the population databases is considered unreliable, as metrics indicate insufficient coverage at this position in the ExAC database. In summary, the available evidence is currently insufficient to determine the role of this variant in disease. Therefore, it has been classified as a Variant of Uncertain Significance. Algorithms developed to predict the effect of missense changes on protein structure and function (SIFT, PolyPhen-2, Align-GVGD) all suggest that this variant is likely to be tolerated, but these predictions have not been confirmed by published functional studies and their clinical significance is uncertain. This variant has not been reported in the literature in individuals with SPTLC2-related conditions.

NM_004863.4(SPTLC2):c.65A>G (p.Asn22Ser)

Gene: SPTLC2 (serine palmitoyltransferase long chain base subunit 2; minus strand). Cytogenetic location: 14q24.3.
Variant type: single nucleotide variant.
Coding change: c.65A>G on transcript NM_004863.4 (MANE Select); coding-DNA position 65, A replaced by G.
Protein change: p.Asn22Ser; replaces asparagine 22 with serine.
Molecular consequence: missense variant.
Genome position (GRCh38, 1-based): chr14:77,616,515, T>C on the plus strand (A>G on the coding strand, the complement: SPTLC2 is on the minus strand). VCF-style: chr14-77616515-T-C. GRCh37 (hg19) VCF-style: chr14-78082858-T-C.
Other names: short protein forms N22S.
Identifiers: ClinVar variation 1059202 (VCV001059202.9), dbSNP rs2140071668, ClinGen allele CA390712383.